The following is an entry in ClinVar:

ClinVar aggregate classification (germline): Uncertain significance (1 of 4 stars; one submission).

Conditions:
Kabuki syndrome. Also called: Kabuki make-up syndrome; NIIKAWA-KUROKI SYNDROME. Identifiers: Orphanet 2322, MedGen C0796004, MONDO:0016512.

Allele frequency attached by ClinVar (database versions not stated): gnomAD exomes below 0.00001; TOPMed below 0.00001.
gnomAD v4.1: 2 of 1,583,582 alleles (0.00013%); highest among the groups gnomAD compares: Non-Finnish European, 0.00017%; no homozygotes.

Submission:

Labcorp Genetics (formerly Invitae), Labcorp
Classification: Uncertain significance for Kabuki syndrome. Last evaluated: 2024-11-15. Review status: criteria provided, single submitter. Criteria: Invitae Variant Classification Sherloc (09022015). Collection method: clinical testing. Allele origin: germline.
Comment: This sequence change replaces alanine, which is neutral and non-polar, with threonine, which is neutral and polar, at codon 3227 of the KMT2D protein (p.Ala3227Thr). This variant is not present in population databases (gnomAD no frequency). This variant has not been reported in the literature in individuals affected with KMT2D-related conditions. ClinVar contains an entry for this variant (Variation ID: 1954590). Invitae Evidence Modeling of protein sequence and biophysical properties (such as structural, functional, and spatial information, amino acid conservation, physicochemical variation, residue mobility, and thermodynamic stability) indicates that this missense variant is not expected to disrupt KMT2D protein function with a negative predictive value of 95%. In summary, the available evidence is currently insufficient to determine the role of this variant in disease. Therefore, it has been classified as a Variant of Uncertain Significance.

NM_003482.4(KMT2D):c.9679G>A (p.Ala3227Thr)

Gene: KMT2D (lysine methyltransferase 2D; minus strand). Cytogenetic location: 12q13.12.
Variant type: single nucleotide variant.
Coding change: c.9679G>A on transcript NM_003482.4 (MANE Select); coding-DNA position 9679, G replaced by A.
Protein change: p.Ala3227Thr; replaces alanine 3227 with threonine.
Molecular consequence: missense variant.
Genome position (GRCh38, 1-based): chr12:49,037,677, C>T on the plus strand (G>A on the coding strand, the complement: KMT2D is on the minus strand). VCF-style: chr12-49037677-C-T. GRCh37 (hg19) VCF-style: chr12-49431460-C-T.
Other names: short protein forms A3227T.
Identifiers: ClinVar variation 1954590 (VCV001954590.5), dbSNP rs1176899385, ClinGen allele CA384736785.